The following is an entry in ClinVar:

ClinVar aggregate classification (germline): Uncertain significance. Review status: criteria provided, multiple submitters, no conflicts (2 of 4 stars). 2 submissions from 2 submitters: Uncertain significance (2). Last evaluated 2025-08-24.

Conditions:
Inborn genetic diseases. Identifiers: MedGen C0950123, MeSH D030342.

gnomAD v4.1: 5 of 1,614,026 alleles (0.00031%); highest among the groups gnomAD compares: Admixed American, 0.0083%; no homozygotes.

Submissions (2):

Ambry Genetics
Classification: Uncertain significance for Inborn genetic diseases. Last evaluated: 2025-08-24. Review status: criteria provided, single submitter. Criteria: Ambry Variant Classification Scheme 2023. Collection method: clinical testing. Allele origin: germline.

Labcorp Genetics (formerly Invitae), Labcorp
Classification: Uncertain significance. Last evaluated: 2025-04-23. Review status: criteria provided, single submitter. Criteria: Invitae Variant Classification Sherloc (09022015). Collection method: clinical testing. Allele origin: germline.
Comment: This sequence change replaces arginine, which is basic and polar, with serine, which is neutral and polar, at codon 412 of the RIPK1 protein (p.Arg412Ser). This variant is present in population databases (no rsID available, gnomAD 0.01%). This variant has not been reported in the literature in individuals affected with RIPK1-related conditions. An algorithm developed to predict the effect of missense changes on protein structure and function (PolyPhen-2) suggests that this variant is likely to be tolerated. In summary, the available evidence is currently insufficient to determine the role of this variant in disease. Therefore, it has been classified as a Variant of Uncertain Significance.

NM_001354930.2(RIPK1):c.1236A>T (p.Arg412Ser)

Gene: RIPK1 (receptor interacting serine/threonine kinase 1; plus strand). Cytogenetic location: 6p25.2.
Variant type: single nucleotide variant.
Coding change: c.1236A>T on transcript NM_001354930.2 (MANE Select); coding-DNA position 1236, A replaced by T.
Protein change: p.Arg412Ser; replaces arginine 412 with serine.
Molecular consequence: missense variant.
Genome position (GRCh38, 1-based): chr6:3,105,711, A>T. VCF-style: chr6-3105711-A-T. GRCh37 (hg19) VCF-style: chr6-3105945-A-T.
Other names: c.747A>T, p.Arg249Ser (NM_001317061.3, NM_001354932.2, NM_001354933.2 and 1 more transcripts); c.1098A>T, p.Arg366Ser (NM_001354931.2); c.1236A>T, p.Arg412Ser (NM_003804.6); short protein forms R249S, R366S, R412S.
Identifiers: ClinVar variation 4154698 (VCV004154698.2).